The following is an entry in ClinVar:

NM_033305.3(VPS13A):c.9275+1G>A

Gene: VPS13A (vacuolar protein sorting 13 homolog A; plus strand). Cytogenetic location: 9q21.2.
Variant type: single nucleotide variant.
Coding change: c.9275+1G>A on transcript NM_033305.3 (MANE Select); the canonical splice donor site of the intron after coding-DNA position 9275, G replaced by A.
Molecular consequence: splice donor variant.
Genome position (GRCh38, 1-based): chr9:77,403,322, G>A. VCF-style: chr9-77403322-G-A. GRCh37 (hg19) VCF-style: chr9-80018238-G-A.
Other names: c.9158+1G>A (NM_001018037.2).
Identifiers: ClinVar variation 1066506 (VCV001066506.9), dbSNP rs1239148255, ClinGen allele CA373854000.
Genomic context (GRCh38, chr9:77,403,322, plus strand): 5'-ATACAAATATTTTACCCATGTCATGATCAATAAGACAGATATGCTAATGATAACCAGACG[G>A]TAACTTGCTTTCTTTCTCTTACGTAATTTTATAAGGGGTTAACTGACAGCGACTCATGAG-3'

ClinVar aggregate classification (germline): Likely pathogenic (1 of 4 stars; one submission).

Submission:

Labcorp Genetics (formerly Invitae), Labcorp
Classification: Likely pathogenic. Last evaluated: 2020-06-12. Review status: criteria provided, single submitter. Criteria: Invitae Variant Classification Sherloc (09022015). Collection method: clinical testing. Allele origin: germline.
Comment: This variant is not present in population databases (ExAC no frequency). This variant has been observed in individual(s) with chorea-acanthocytosis (PMID: 12404112). This sequence change affects a donor splice site in intron 69 of the VPS13A gene. It is expected to disrupt RNA splicing and likely results in an absent or disrupted protein product. In summary, the currently available evidence indicates that the variant is pathogenic, but additional data are needed to prove that conclusively. Therefore, this variant has been classified as Likely Pathogenic. Donor and acceptor splice site variants typically lead to a loss of protein function (PMID: 16199547), and loss-of-function variants in VPS13A are known to be pathogenic (PMID: 12404112, 21598378). Algorithms developed to predict the effect of sequence changes on RNA splicing suggest that this variant may disrupt the consensus splice site, but this prediction has not been confirmed by published transcriptional studies.

Literature cited by the submitters: PubMed 12404112; PubMed 16199547; PubMed 21598378.